The following is an entry in ClinVar:

NM_001458.5(FLNC):c.7385-2A>G

Genes: FLNC (filamin C; plus strand), FLNC-AS1 (FLNC antisense RNA 1; minus strand). Cytogenetic location: 7q32.1.
Variant type: single nucleotide variant.
Coding change: c.7385-2A>G on transcript NM_001458.5 (MANE Select); the canonical splice acceptor site of the intron before coding-DNA position 7385, A replaced by G.
Molecular consequence: splice acceptor variant.
Genome position (GRCh38, 1-based): chr7:128,856,743, A>G. VCF-style: chr7-128856743-A-G. GRCh37 (hg19) VCF-style: chr7-128496797-A-G.
Other names: c.7286-2A>G (NM_001127487.2).
Identifiers: ClinVar variation 3279206 (VCV003279206.1).

ClinVar aggregate classification (germline): Likely pathogenic (1 of 4 stars; one submission).

Conditions:
Cardiovascular phenotype. Identifiers: MedGen CN230736.

gnomAD v4.1: 1 of 1,614,168 alleles (0.000062%); highest among the groups gnomAD compares: Non-Finnish European, 0.000085%; no homozygotes.

Submission:

Ambry Genetics
Classification: Likely pathogenic for Cardiovascular phenotype. Last evaluated: 2024-04-09. Review status: criteria provided, single submitter. Criteria: Ambry Variant Classification Scheme 2023. Collection method: clinical testing. Allele origin: germline.
Comment: The c.7385-2A>G intronic variant results from an A to G substitution two nucleotides before coding exon 45 in the FLNC gene. This variant is considered to be rare based on population cohorts in the Genome Aggregation Database (gnomAD). This nucleotide position is highly conserved in available vertebrate species. In silico splice site analysis predicts that this alteration will weaken the native splice acceptor site and will result in the creation or strengthening of a novel splice acceptor site. Alterations that disrupt the canonical splice site are expected to cause aberrant splicing, resulting in an abnormal protein or a transcript that is subject to nonsense-mediated mRNA decay. As such, this alteration is classified as likely pathogenic for FLNC-related dilated cardiomyopathy; however, its clinical significance for FLNC-related hypertrophic/restrictive cardiomyopathy and/or skeletal myopathy is uncertain.